The following is an entry in ClinVar:

NM_000271.5(NPC1):c.2339T>G (p.Val780Gly)

Gene: NPC1 (NPC intracellular cholesterol transporter 1; minus strand). Cytogenetic location: 18q11.2.
Variant type: single nucleotide variant.
Coding change: c.2339T>G on transcript NM_000271.5 (MANE Select); coding-DNA position 2339, T replaced by G.
Protein change: p.Val780Gly; replaces valine 780 with glycine.
Molecular consequence: missense variant.
Genome position (GRCh38, 1-based): chr18:23,541,340, A>C on the plus strand (T>G on the coding strand, the complement: NPC1 is on the minus strand). VCF-style: chr18-23541340-A-C. GRCh37 (hg19) VCF-style: chr18-21121304-A-C.
Other names: short protein forms V780G.
Identifiers: ClinVar variation 4687299 (VCV004687299.1).

ClinVar aggregate classification (germline): Uncertain significance (1 of 4 stars; one submission).

Submission:

Women's Health and Genetics/Laboratory Corporation of America, LabCorp
Classification: Uncertain significance. Last evaluated: 2025-10-30. Review status: criteria provided, single submitter. Criteria: LabCorp Variant Classification Summary - May 2015. Collection method: clinical testing. Allele origin: germline.
Comment: Variant summary: NPC1 c.2339T>G (p.Val780Gly) results in a non-conservative amino acid change in the encoded protein sequence. Algorithms developed to predict the effect of missense changes on protein structure and function all suggest that this variant is likely to be disruptive. The variant was absent in 251478 control chromosomes. c.2339T>G has been observed in individual affected with Niemann-Pick Disease Type C (Fancello_2009, Dardis_2020, Boenzi_2021). These data indicate that the variant may be associated with disease. To our knowledge, no experimental evidence demonstrating an impact on protein function has been reported. The following publications have been ascertained in the context of this evaluation (PMID: 34810067, 32138288, 19252935). No submitters have cited clinical-significance assessments for this variant to ClinVar. Based on the evidence outlined above, the variant was classified as VUS-possibly pathogenic.

Literature cited by the submitters: PubMed 19252935; PubMed 32138288; PubMed 34810067.